The following is an entry in ClinVar:

ClinVar aggregate classification (germline): Likely benign. Review status: criteria provided, single submitter (1 of 4 stars). 2 submissions from 2 submitters: Likely benign (1). 1 of the submissions does not count toward it. Last evaluated 2024-12-10.

Conditions:
PROS1-related disorder. Also called: PROS1-related condition.
Thrombophilia due to protein S deficiency, autosomal recessive (THPH6). Identifiers: Orphanet 743, MedGen C3281092, MONDO:0013791, OMIM 614514. Disease mechanism: loss of function.

Allele frequency attached by ClinVar (database versions not stated): TOPMed 0.00001; gnomAD 0.00003; gnomAD exomes 0.00007; ExAC 0.00014; 1000 Genomes Project 30x 0.00016; 1000 Genomes Project 0.00020.
gnomAD v4.1: 109 of 1,612,342 alleles (0.0068%); highest among the groups gnomAD compares: South Asian, 0.12%; no homozygotes.

Submissions (2):

Labcorp Genetics (formerly Invitae), Labcorp
Classification: Likely benign for Thrombophilia due to protein S deficiency, autosomal recessive. Last evaluated: 2024-12-10. Review status: criteria provided, single submitter. Criteria: Invitae Variant Classification Sherloc (09022015). Collection method: clinical testing. Allele origin: germline.

PreventionGenetics, part of Exact Sciences
Classification: Likely benign for PROS1-related condition. Last evaluated: 2021-02-15. Review status: no assertion criteria provided. Collection method: clinical testing. Allele origin: germline. Not counted in ClinVar's aggregate classification.
Comment: This variant is classified as likely benign based on ACMG/AMP sequence variant interpretation guidelines (Richards et al. 2015 PMID: 25741868, with internal and published modifications).

NM_000313.4(PROS1):c.864C>T (p.Cys288=)

Gene: PROS1 (protein S; minus strand). Cytogenetic location: 3q11.1.
Variant type: single nucleotide variant.
Coding change: c.864C>T on transcript NM_000313.4 (MANE Select); coding-DNA position 864, C replaced by T.
Protein change: p.Cys288=; no amino-acid change (cysteine 288 retained).
Molecular consequence: synonymous variant.
Genome position (GRCh38, 1-based): chr3:93,896,677, G>A on the plus strand (C>T on the coding strand, the complement: PROS1 is on the minus strand). VCF-style: chr3-93896677-G-A. GRCh37 (hg19) VCF-style: chr3-93615521-G-A.
Other names: c.960C>T, p.Cys320= (NM_001314077.2).
Identifiers: ClinVar variation 1903888 (VCV001903888.7), dbSNP rs554787241, ClinGen allele CA2503336.